The following is an entry in ClinVar:

NM_003924.4(PHOX2B):c.906C>G (p.Asn302Lys)

Gene: PHOX2B (paired like homeobox 2B; minus strand). Cytogenetic location: 4p13.
Variant type: single nucleotide variant.
Coding change: c.906C>G on transcript NM_003924.4 (MANE Select); coding-DNA position 906, C replaced by G.
Protein change: p.Asn302Lys; replaces asparagine 302 with lysine.
Molecular consequence: missense variant.
Genome position (GRCh38, 1-based): chr4:41,745,846, G>C on the plus strand (C>G on the coding strand, the complement: PHOX2B is on the minus strand). VCF-style: chr4-41745846-G-C. GRCh37 (hg19) VCF-style: chr4-41747863-G-C.
Other names: short protein forms N302K.
Identifiers: ClinVar variation 1405075 (VCV001405075.6), dbSNP rs1368103166, ClinGen allele CA356736768.

ClinVar aggregate classification (germline): Uncertain significance (1 of 4 stars; one submission).

Conditions:
Haddad syndrome (OHD). Also called: Ondine-Hirschsprung disease. Identifiers: Orphanet 99803, MedGen C1859049, MONDO:0020493.

Submission:

Labcorp Genetics (formerly Invitae), Labcorp
Classification: Uncertain significance for Haddad syndrome. Last evaluated: 2023-06-27. Review status: criteria provided, single submitter. Criteria: Invitae Variant Classification Sherloc (09022015). Collection method: clinical testing. Allele origin: germline.
Comment: In summary, the available evidence is currently insufficient to determine the role of this variant in disease. Therefore, it has been classified as a Variant of Uncertain Significance. Experimental studies and prediction algorithms are not available or were not evaluated, and the functional significance of this variant is currently unknown. ClinVar contains an entry for this variant (Variation ID: 1405075). This variant has not been reported in the literature in individuals affected with PHOX2B-related conditions. This variant is not present in population databases (gnomAD no frequency). This sequence change replaces asparagine, which is neutral and polar, with lysine, which is basic and polar, at codon 302 of the PHOX2B protein (p.Asn302Lys).